The following is an entry in ClinVar:

NM_004444.5(EPHB4):c.50_52+2del

Genes: EPHB4 (EPH receptor B4; minus strand), SLC12A9 (solute carrier family 12 member 9; plus strand). Cytogenetic location: 7q22.1.
Variant type: Deletion.
Coding change: c.50_52+2del on transcript NM_004444.5 (MANE Select); coding-DNA position 50 through the canonical splice donor site of the intron after coding-DNA position 52, 5 bases deleted (AAGGT; older notation c.50_52+2delAAGGT).
Molecular consequence: splice donor variant. On other transcripts: 5 prime UTR variant (1).
Genome position (GRCh38, 1-based): chr7:100,826,977-100,826,981, ACCTT deleted on the plus strand (AAGGT on the coding strand, the reverse complement: EPHB4 is on the minus strand). VCF-style (leftmost placement, unchanged base first): chr7-100826976-CACCTT-C. GRCh37 (hg19) VCF-style: chr7-100424598-CACCTT-C.
Other names: c.-52_-48del (NM_001363494.1).
Identifiers: ClinVar variation 3658408 (VCV003658408.2).

ClinVar aggregate classification (germline): Likely pathogenic (1 of 4 stars; one submission).

Submission:

Labcorp Genetics (formerly Invitae), Labcorp
Classification: Likely pathogenic. Last evaluated: 2024-07-01. Review status: criteria provided, single submitter. Criteria: Invitae Variant Classification Sherloc (09022015). Collection method: clinical testing. Allele origin: germline.
Comment: This variant results in the deletion of part of exon 1 (c.50_52+2del) of the EPHB4 gene. It is expected to disrupt RNA splicing. Variants that disrupt the donor or acceptor splice site typically lead to a loss of protein function (PMID: 16199547), and loss-of-function variants in EPHB4 are known to be pathogenic (PMID: 28687708). This variant is not present in population databases (gnomAD no frequency). This variant has been observed in individual(s) with capillary malformation-arteriovenous malformations (Invitae). In summary, the currently available evidence indicates that the variant is pathogenic, but additional data are needed to prove that conclusively. Therefore, this variant has been classified as Likely Pathogenic.

Literature cited by the submitters: PubMed 16199547; PubMed 28687708.